The following is an entry in ClinVar:

ClinVar aggregate classification (germline): Uncertain significance (1 of 4 stars; one submission).

Conditions:
Cardiomyopathy (CMYO). Also called: Cardiomyopathies. Identifiers: Orphanet 167848, MedGen C0878544, MONDO:0004994, HP:0001638. Inheritance: Various modes of inheritance.

Submission:

Color Diagnostics, LLC DBA Color Health
Classification: Uncertain significance for Cardiomyopathy. Last evaluated: 2025-05-30. Review status: criteria provided, single submitter. Criteria: ACMG Guidelines, 2015. Collection method: clinical testing. Allele origin: germline.
Comment: This missense variant replaces lysine with glutamic acid at codon 381 of the DSC2 protein. Computational prediction suggests that this variant may not impact protein structure and function. To our knowledge, functional studies have not been reported for this variant. This variant has not been reported in individuals affected with DSC2-related disorders in the literature. This variant has not been identified in the general population by the Genome Aggregation Database (gnomAD). The available evidence is insufficient to determine the role of this variant in disease conclusively. Therefore, this variant is classified as a Variant of Uncertain Significance.

NM_024422.6(DSC2):c.1141A>G (p.Lys381Glu)

Gene: DSC2 (desmocollin 2; minus strand). Cytogenetic location: 18q12.1.
Variant type: single nucleotide variant.
Coding change: c.1141A>G on transcript NM_024422.6 (MANE Select); coding-DNA position 1141, A replaced by G.
Protein change: p.Lys381Glu; replaces lysine 381 with glutamic acid.
Molecular consequence: missense variant.
Genome position (GRCh38, 1-based): chr18:31,082,360, T>C on the plus strand (A>G on the coding strand, the complement: DSC2 is on the minus strand). VCF-style: chr18-31082360-T-C. GRCh37 (hg19) VCF-style: chr18-28662326-T-C.
Other names: c.712A>G, p.Lys238Glu (NM_001406506.1, NM_001406507.1); c.1141A>G, p.Lys381Glu (NM_004949.5); short protein forms K238E, K381E.
Identifiers: ClinVar variation 4758706 (VCV004758706.1).